The following is an entry in ClinVar:

ClinVar aggregate classification (germline): Pathogenic. Review status: criteria provided, multiple submitters, no conflicts (2 of 4 stars). 4 submissions from 4 submitters: Pathogenic (4). Last evaluated 2025-11-12.

Conditions:
Hereditary cancer-predisposing syndrome. Also called: Neoplastic Syndromes, Hereditary; Tumor predisposition; Hereditary neoplastic syndrome; Hereditary Cancer Syndrome. Identifiers: Orphanet 140162, MedGen C0027672, MeSH D009386, MONDO:0015356.
Familial cancer of breast. Also called: Hereditary breast cancer; BREAST CANCER, FAMILIAL; hereditary breast carcinoma. Identifiers: Orphanet 227535, MedGen C0346153, MONDO:0016419, OMIM 114480. Disease mechanism: loss of function.
Ataxia-telangiectasia syndrome (AT). Also called: Cerebello-oculocutaneous telangiectasia; Immunodeficiency with ataxia telangiectasia; Ataxia-telangiectasia; LOUIS-BAR SYNDROME; Ataxia-telangiectasia, complementation group D; AT, COMPLEMENTATION GROUP C. Identifiers: Orphanet 100, MedGen C0004135, MONDO:0008840, OMIM 208900.

Allele frequency attached by ClinVar (database versions not stated): gnomAD exomes below 0.00001; ExAC 0.00001.
gnomAD v4.1: 1 of 1,613,430 alleles (0.000062%); highest among the groups gnomAD compares: Admixed American, 0.0017%; no homozygotes.

Submissions (4):

Ambry Genetics
Classification: Pathogenic for Hereditary cancer-predisposing syndrome. Last evaluated: 2025-11-12. Review status: criteria provided, single submitter. Criteria: Ambry Variant Classification Scheme 2023. Collection method: clinical testing. Allele origin: germline.
Comment: The p.S47* pathogenic mutation (also known as c.140C>G), located in coding exon 2 of the ATM gene, results from a C to G substitution at nucleotide position 140. This changes the amino acid from a serine to a stop codon within coding exon 2. This variant is considered to be rare based on population cohorts in the Genome Aggregation Database (gnomAD). This alteration is expected to result in loss of function by premature protein truncation or nonsense-mediated mRNA decay. As such, this alteration is interpreted as a disease-causing mutation.

Labcorp Genetics (formerly Invitae), Labcorp
Classification: Pathogenic for Ataxia-telangiectasia syndrome. Last evaluated: 2025-03-31. Review status: criteria provided, single submitter. Criteria: Invitae Variant Classification Sherloc (09022015). Collection method: clinical testing. Allele origin: germline.
Comment: This sequence change creates a premature translational stop signal (p.Ser47*) in the ATM gene. It is expected to result in an absent or disrupted protein product. Loss-of-function variants in ATM are known to be pathogenic (PMID: 23807571, 25614872). This variant is present in population databases (rs774185390, gnomAD 0.003%). This variant has not been reported in the literature in individuals affected with ATM-related conditions. ClinVar contains an entry for this variant (Variation ID: 216020). For these reasons, this variant has been classified as Pathogenic.

Myriad Genetics, Inc.
Classification: Pathogenic for Familial cancer of breast. Last evaluated: 2023-10-11. Review status: criteria provided, single submitter. Criteria: Myriad Autosomal Dominant, Autosomal Recessive and X-Linked Classification Criteria (2023). Collection method: clinical testing. Allele origin: unknown.
Comment: This variant is considered pathogenic. This variant creates a termination codon and is predicted to result in premature protein truncation.

Genesis Genomics
Classification: Pathogenic for Familial cancer of breast. Review status: criteria provided, single submitter. Criteria: ACMG Guidelines, 2015. Collection method: clinical testing. Allele origin: germline. Affected: yes. Observed: 1 variant allele.

Literature cited by the submitters: PubMed 23807571 (cited by Labcorp Genetics (formerly Invitae), Labcorp); PubMed 25614872 (cited by Labcorp Genetics (formerly Invitae), Labcorp).

NM_000051.4(ATM):c.140C>G (p.Ser47Ter)

Gene: ATM (ATM serine/threonine kinase; plus strand). Cytogenetic location: 11q22.3.
Variant type: single nucleotide variant.
Coding change: c.140C>G on transcript NM_000051.4 (MANE Select); coding-DNA position 140, C replaced by G.
Protein change: p.Ser47Ter; replaces serine 47 with a stop codon.
Molecular consequence: nonsense.
Genome position (GRCh38, 1-based): chr11:108,227,843, C>G. VCF-style: chr11-108227843-C-G. GRCh37 (hg19) VCF-style: chr11-108098570-C-G.
Other names: c.140C>G, p.Ser47Ter (NM_001351834.2, NM_001351835.2, NM_001351836.2); short protein forms S47*.
Identifiers: ClinVar variation 216020 (VCV000216020.16), dbSNP rs774185390, ClinGen allele CA336635.